The following is an entry in ClinVar:

ClinVar aggregate classification (germline): Likely benign (1 of 4 stars; one submission).

gnomAD v4.1: 158 of 1,203,580 alleles (0.013%); highest among the groups gnomAD compares: African/African-American, 0.23%; no homozygotes.

Submission:

CeGaT Center for Human Genetics Tuebingen
Classification: Likely benign. Last evaluated: 2026-03-01. Review status: criteria provided, single submitter. Criteria: CeGaT Center For Human Genetics Tuebingen Variant Classification Criteria Version 2. Collection method: clinical testing. Allele origin: germline. Affected: yes. Observed: 1 variant allele.
Comment: HDAC8: PP2, BS2

NM_018486.3(HDAC8):c.738-9960A>T

Gene: HDAC8 (histone deacetylase 8; minus strand). Cytogenetic location: Xq13.1.
Variant type: single nucleotide variant.
Coding change: c.738-9960A>T on transcript NM_018486.3 (MANE Select); 9960 bases into the intron before coding-DNA position 738, A replaced by T.
Molecular consequence: intron variant. On other transcripts: 3 prime UTR variant (3).
Genome position (GRCh38, 1-based): chrX:72,474,691, T>A on the plus strand (A>T on the coding strand, the complement: HDAC8 is on the minus strand). VCF-style: chrX-72474691-T-A. GRCh37 (hg19) VCF-style: chrX-71694541-T-A.
Other names: c.*5A>T (NM_001166419.2, NM_001166448.2, NM_001410730.1); c.465-9960A>T (NM_001166418.2, NM_001410728.1); c.438-9960A>T (NM_001441234.1); c.660-9960A>T (NM_001410727.1); c.738-9960A>T (NM_001410725.1, NM_001410729.1).
Identifiers: ClinVar variation 4822461 (VCV004822461.4).